The following is an entry in ClinVar:

ClinVar aggregate classification (germline): Conflicting classifications of pathogenicity. Review status: criteria provided, conflicting classifications (1 of 4 stars). 2 submissions from 2 submitters: Uncertain significance (1); Likely benign (1). Last evaluated 2024-04-25.

Allele frequency attached by ClinVar (database versions not stated): gnomAD 0.00001; gnomAD exomes 0.00002; TOPMed 0.00003.
gnomAD v4.1: 6 of 1,611,102 alleles (0.00037%); highest among the groups gnomAD compares: Admixed American, 0.0083%; no homozygotes.

Submissions (2):

Labcorp Genetics (formerly Invitae), Labcorp
Classification: Uncertain significance. Last evaluated: 2024-04-25. Review status: criteria provided, single submitter. Criteria: Invitae Variant Classification Sherloc (09022015). Collection method: clinical testing. Allele origin: germline.
Comment: This sequence change replaces proline, which is neutral and non-polar, with leucine, which is neutral and non-polar, at codon 1099 of the ITGAM protein (p.Pro1099Leu). This variant is present in population databases (no rsID available, gnomAD 0.01%). This variant has not been reported in the literature in individuals affected with ITGAM-related conditions. ClinVar contains an entry for this variant (Variation ID: 1406101). Algorithms developed to predict the effect of missense changes on protein structure and function output the following: SIFT: "Not Available"; PolyPhen-2: "Benign"; Align-GVGD: "Not Available". The leucine amino acid residue is found in multiple mammalian species, which suggests that this missense change does not adversely affect protein function. In summary, the available evidence is currently insufficient to determine the role of this variant in disease. Therefore, it has been classified as a Variant of Uncertain Significance.

Ambry Genetics
Classification: Likely benign. Last evaluated: 2023-05-03. Review status: criteria provided, single submitter. Criteria: Ambry Variant Classification Scheme 2023. Collection method: clinical testing. Allele origin: germline.

NM_000632.4(ITGAM):c.3296C>T (p.Pro1099Leu)

Gene: ITGAM (integrin subunit alpha M; plus strand). Cytogenetic location: 16p11.2.
Variant type: single nucleotide variant.
Coding change: c.3296C>T on transcript NM_000632.4 (MANE Select); coding-DNA position 3296, C replaced by T.
Protein change: p.Pro1099Leu; replaces proline 1099 with leucine.
Molecular consequence: missense variant.
Genome position (GRCh38, 1-based): chr16:31,331,184, C>T. VCF-style: chr16-31331184-C-T. GRCh37 (hg19) VCF-style: chr16-31342505-C-T.
Other names: c.3299C>T, p.Pro1100Leu (NM_001145808.2); c.3296C>T (NM_000632.3); short protein forms P1100L, P1099L.
Identifiers: ClinVar variation 1406101 (VCV001406101.9), dbSNP rs1040429279, ClinGen allele CA280628391.